The following is an entry in ClinVar:

ClinVar aggregate classification (germline): Uncertain significance (1 of 4 stars; one submission).

gnomAD v4.1: 1 of 996,956 alleles (0.0001%); highest among the groups gnomAD compares: Non-Finnish European, 0.00012%; no homozygotes.

Submission:

Labcorp Genetics (formerly Invitae), Labcorp
Classification: Uncertain significance. Last evaluated: 2023-11-12. Review status: criteria provided, single submitter. Criteria: Invitae Variant Classification Sherloc (09022015). Collection method: clinical testing. Allele origin: germline.
Comment: This sequence change replaces proline, which is neutral and non-polar, with threonine, which is neutral and polar, at codon 281 of the SMARCA2 protein (p.Pro281Thr). The frequency data for this variant in the population databases is considered unreliable, as metrics indicate insufficient coverage at this position in the gnomAD database. This variant has not been reported in the literature in individuals affected with SMARCA2-related conditions. Advanced modeling of protein sequence and biophysical properties (such as structural, functional, and spatial information, amino acid conservation, physicochemical variation, residue mobility, and thermodynamic stability) performed at Invitae indicates that this missense variant is not expected to disrupt SMARCA2 protein function with a negative predictive value of 80%. In summary, the available evidence is currently insufficient to determine the role of this variant in disease. Therefore, it has been classified as a Variant of Uncertain Significance.

NM_003070.5(SMARCA2):c.841C>A (p.Pro281Thr)

Gene: SMARCA2 (SWI/SNF related BAF chromatin remodeling complex subunit ATPase 2; plus strand). Cytogenetic location: 9p24.3.
Variant type: single nucleotide variant.
Coding change: c.841C>A on transcript NM_003070.5 (MANE Select); coding-DNA position 841, C replaced by A.
Protein change: p.Pro281Thr; replaces proline 281 with threonine.
Molecular consequence: missense variant.
Genome position (GRCh38, 1-based): chr9:2,047,279, C>A. VCF-style: chr9-2047279-C-A. GRCh37 (hg19) VCF-style: chr9-2047279-C-A.
Other names: c.841C>A, p.Pro281Thr (NM_001289396.2, NM_001289397.2, NM_139045.4); short protein forms P281T.
Identifiers: ClinVar variation 2871247 (VCV002871247.3), dbSNP rs2537243150, ClinGen allele CA372780795.